The following is an entry in ClinVar:

NM_000159.4(GCDH):c.120_123del (p.Ala41fs)

Genes: GCDH (glutaryl-CoA dehydrogenase; plus strand), LOC117125594 (CRISPRi-FlowFISH-validated KLF1 regulatory element; plus strand). Cytogenetic location: 19p13.13.
Variant type: Deletion.
Coding change: c.120_123del on transcript NM_000159.4 (MANE Select); coding-DNA positions 120 to 123, 4 bases deleted (GGCT; older notation c.120_123delGGCT).
Protein change: p.Ala41fs; shifts the reading frame from alanine 41.
Molecular consequence: frameshift variant. On other transcripts: non-coding transcript variant (2).
Genome position (GRCh38, 1-based): chr19:12,891,515-12,891,518, GGCT deleted; deleting any 4 consecutive bases within chr19:12,891,513-12,891,518 gives the same sequence; the c. name uses the placement nearest the transcript's 3' end. VCF-style (leftmost placement, unchanged base first): chr19-12891512-ACTGG-A. GRCh37 (hg19) VCF-style: chr19-13002326-ACTGG-A.
Other names: c.120_123del, p.Ala41fs (NM_013976.5); short protein forms A41fs.
Identifiers: ClinVar variation 2865577 (VCV002865577.3), dbSNP rs2512563918, ClinGen allele CA2739276516.

ClinVar aggregate classification (germline): Pathogenic (1 of 4 stars; one submission).

Conditions:
Glutaric aciduria, type 1. Also called: Glutaric Acidemia Type 1; GA I; Glutaricaciduria, type I; Glutaryl-CoA dehydrogenase deficiency; Glutaric acidemia type I; Glutaricacidemia Type 1. Identifiers: Orphanet 25, MedGen C0268595, MONDO:0009281, OMIM 231670.

Submission:

Labcorp Genetics (formerly Invitae), Labcorp
Classification: Pathogenic for Glutaric aciduria, type 1. Last evaluated: 2023-05-27. Review status: criteria provided, single submitter. Criteria: Invitae Variant Classification Sherloc (09022015). Collection method: clinical testing. Allele origin: germline.
Comment: For these reasons, this variant has been classified as Pathogenic. This variant has not been reported in the literature in individuals affected with GCDH-related conditions. This variant is not present in population databases (gnomAD no frequency). This sequence change creates a premature translational stop signal (p.Ala41Serfs*19) in the GCDH gene. It is expected to result in an absent or disrupted protein product. Loss-of-function variants in GCDH are known to be pathogenic (PMID: 10699052, 11854167, 16602100).

Literature cited by the submitters: PubMed 10699052; PubMed 11854167; PubMed 16602100.